The following is an entry in ClinVar:

NM_004183.4(BEST1):c.715G>A (p.Val239Met)

Gene: BEST1 (bestrophin 1; plus strand). Cytogenetic location: 11q12.3.
Variant type: single nucleotide variant.
Coding change: c.715G>A on transcript NM_004183.4 (MANE Select); coding-DNA position 715, G replaced by A.
Protein change: p.Val239Met; replaces valine 239 with methionine.
Molecular consequence: missense variant. On other transcripts: non-coding transcript variant (1).
Genome position (GRCh38, 1-based): chr11:61,958,146, G>A. VCF-style: chr11-61958146-G-A. GRCh37 (hg19) VCF-style: chr11-61725618-G-A.
Other names: c.535G>A (NM_001139443.1); c.535G>A, p.Val179Met (NM_001139443.3, NM_001300786.2, NM_001300787.2); c.397G>A, p.Val133Met (NM_001363591.3); c.715G>A, p.Val239Met (NM_001363592.2); c.-461G>A (NM_001363593.3); short protein forms V239M, V133M, V179M.
Identifiers: ClinVar variation 2745 (VCV000002745.9), dbSNP rs121918290, ClinGen allele CA115730.

ClinVar aggregate classification (germline): Pathogenic/Likely pathogenic. Review status: criteria provided, multiple submitters, no conflicts (2 of 4 stars). 4 submissions from 4 submitters: Pathogenic (1); Likely pathogenic (2). 1 of the submissions does not count toward it. Last evaluated 2026-08-07.

Conditions:
Microcornea, rod-cone dystrophy, cataract, and posterior staphyloma 2. Identifiers: MedGen C5435648, MONDO:0800296.
BEST1-related disorder. Also called: BEST1-related condition; BEST1-related disorders. Identifiers: MedGen CN239200.
Vitelliform macular dystrophy 2. Also called: Best Macular Dystrophy; VITELLIFORM MACULAR DYSTROPHY, EARLY-ONSET; VITELLIFORM MACULAR DYSTROPHY, JUVENILE-ONSET; Best vitelliform macular dystrophy, multifocal; MACULAR DEGENERATION, POLYMORPHIC VITELLINE; Best Vitelliform Macular Dystrophy (BVMD). Identifiers: Orphanet 1243, MedGen C2745945, MONDO:0007931, OMIM 153700.

Submissions (4):

GeneDx
Classification: Likely pathogenic. Last evaluated: 2026-08-07. Review status: criteria provided, single submitter. Criteria: GeneDx Variant Classification Process June 2021. Collection method: clinical testing. Allele origin: germline.
Comment: An in vitro splicing assay suggested that V239M causes skipping of exons 6 and 7 and results in the production of bestrophin-1 isoforms containing in-frame deletions, possibly due to the disruption of an exonic splice enhancer. However, in vivo studies have not been performed to validate these findings (PMID: 15452077); Not observed at significant frequency in large population cohorts (gnomAD); In silico analysis supports that this missense variant has a deleterious effect on protein structure/function; This variant is associated with the following publications: (PMID: 18611979, 24560797, 17065513, 26771239, 21473666, 30222024, 22454052, 24328569, 20362068, 19375515, 18391176, 15452077, 30945270, 34746433, 27653836, 40891781, 41991505)

Blueprint Genetics
Classification: Pathogenic for BEST1-related disorders. Last evaluated: 2024-06-05. Review status: criteria provided, single submitter. Criteria: ACMG Guidelines, 2015. Collection method: clinical testing. Allele origin: germline. Affected: yes. Observed: 5 variant alleles.

Clinical Genetics Service, Universitary Hospital 12 de Octubre
Classification: Likely pathogenic for Vitelliform macular dystrophy 2. Review status: criteria provided, single submitter. Criteria: ACMG Guidelines, 2015. Collection method: clinical testing. Allele origin: germline. Affected: yes.

OMIM
Classification: Pathogenic for MICROCORNEA, ROD-CONE DYSTROPHY, CATARACT, AND POSTERIOR STAPHYLOMA 2 (1 family). Last evaluated: 2004-10-01. Review status: no assertion criteria provided. Collection method: literature only. Allele origin: germline. Not counted in ClinVar's aggregate classification.

Literature cited by the submitters: PubMed 12543751 (cited by OMIM); PubMed 15452077 (cited by OMIM).